The following is an entry in ClinVar:

ClinVar aggregate classification (germline): Uncertain significance (1 of 4 stars; one submission).

Conditions:
Familial hypocalciuric hypercalcemia (FHH). Also called: Familial benign hypercalcemia. Identifiers: Orphanet 405, MedGen C1809471, MONDO:0018458.
Autosomal dominant hypocalcemia 1 (HYPOC1). Also called: HYPOCALCEMIA, FAMILIAL. Identifiers: MedGen C3715128, MONDO:0011013, OMIM 601198.

Submission:

Labcorp Genetics (formerly Invitae), Labcorp
Classification: Uncertain significance for Familial hypocalciuric hypercalcemia; Autosomal dominant hypocalcemia 1. Last evaluated: 2019-06-15. Review status: criteria provided, single submitter. Criteria: Invitae Variant Classification Sherloc (09022015). Collection method: clinical testing. Allele origin: germline.
Comment: In summary, the available evidence is currently insufficient to determine the role of this variant in disease. Therefore, it has been classified as a Variant of Uncertain Significance. Experimental studies and prediction algorithms are not available or were not evaluated for this variant, and the functional significance of the affected amino acid(s) is currently unknown. This variant has not been reported in the literature in individuals with CASR-related conditions. This variant is not present in population databases (ExAC no frequency). This sequence change replaces proline with threonine at codon 711 of the CASR protein (p.Pro711Thr). The proline residue is highly conserved and there is a small physicochemical difference between proline and threonine.

NM_000388.4(CASR):c.2130_2131delinsAA (p.Pro711Thr)

Gene: CASR (calcium sensing receptor; plus strand). Cytogenetic location: 3q21.1.
Variant type: Indel.
Coding change: c.2130_2131delinsAA on transcript NM_000388.4 (MANE Select); coding-DNA positions 2130 to 2131, CC replaced by AA.
Protein change: p.Pro711Thr; replaces proline 711 with threonine.
Molecular consequence: missense variant.
Genome position (GRCh38, 1-based): chr3:122,284,084-122,284,085, CC replaced by AA. VCF-style: chr3-122284084-CC-AA. GRCh37 (hg19) VCF-style: chr3-122002931-CC-AA.
Other names: c.2160_2161delinsAA, p.Pro721Thr (NM_001178065.2); short protein forms P721T, P711T.
Identifiers: ClinVar variation 938760 (VCV000938760.8), dbSNP rs2074931664, ClinGen allele CA1139658228.